The following is an entry in ClinVar:

NM_001384900.1(SEMA3D):c.2317A>G (p.Arg773Gly)

Genes: SEMA3D (semaphorin 3D; minus strand), LOC126860094 (BRD4-independent group 4 enhancer GRCh37_chr7:84628763-84629962; plus strand). Cytogenetic location: 7q21.11.
Variant type: single nucleotide variant.
Coding change: c.2317A>G on transcript NM_001384900.1 (MANE Select); coding-DNA position 2317, A replaced by G.
Protein change: p.Arg773Gly; replaces arginine 773 with glycine.
Molecular consequence: missense variant.
Genome position (GRCh38, 1-based): chr7:84,999,457, T>C on the plus strand (A>G on the coding strand, the complement: SEMA3D is on the minus strand). VCF-style: chr7-84999457-T-C. GRCh37 (hg19) VCF-style: chr7-84628773-T-C.
Other names: c.2317A>G, p.Arg773Gly (NM_001384901.1, NM_001384902.1, NM_001384903.1 and 1 more transcripts); short protein forms R773G.
Identifiers: ClinVar variation 2629052 (VCV002629052.4), dbSNP rs760199445, ClinGen allele CA4323168.

ClinVar aggregate classification (germline): Uncertain significance (1 of 4 stars; one submission).

Conditions:
SEMA3D-related disorder. Also called: SEMA3D-related condition.

Allele frequency attached by ClinVar (database versions not stated): ExAC 0.00001; gnomAD exomes 0.00001; TOPMed 0.00001.
gnomAD v4.1: 15 of 1,613,780 alleles (0.00093%); highest among the groups gnomAD compares: Non-Finnish European, 0.0013%; no homozygotes.

Submission:

PreventionGenetics, part of Exact Sciences
Classification: Uncertain significance for SEMA3D-related condition. Last evaluated: 2025-05-13. Review status: criteria provided, single submitter. Criteria: ACMG Guidelines, 2015. Collection method: clinical testing. Allele origin: germline.
Comment: The SEMA3D c.2317A>G variant is predicted to result in the amino acid substitution p.Arg773Gly. This variant has been reported in an individual with severe obesity (van der Klaauw et al 2019. PubMed ID: 30661757). Functional studies suggest this variant may impact protein function (van der Klaauw et al 2019. PubMed ID: 30661757). This variant has been reported in 0.0026% of alleles in individuals of European (Non-Finnish) descent in gnomAD. At this time, the clinical significance of this variant is uncertain due to the absence of conclusive functional and genetic evidence.